The following is an entry in ClinVar:

ClinVar aggregate classification (germline): Uncertain significance (1 of 4 stars; one submission).

Conditions:
Hereditary cancer-predisposing syndrome. Also called: Neoplastic Syndromes, Hereditary; Hereditary Cancer Syndrome; Hereditary neoplastic syndrome; Tumor predisposition. Identifiers: Orphanet 140162, MedGen C0027672, MeSH D009386, MONDO:0015356.

Submission:

Ambry Genetics
Classification: Uncertain significance for Hereditary cancer-predisposing syndrome. Last evaluated: 2025-07-14. Review status: criteria provided, single submitter. Criteria: Ambry Variant Classification Scheme 2023. Collection method: clinical testing. Allele origin: germline.
Comment: The c.8632+3A>T intronic variant results from an A to T substitution 3 nucleotides after coding exon 19 in the BRCA2 gene. Two saturation genome editing-based studies, including a haploid cell-survival assay and a humanized mouse embryonic stem cell line assay of drug response and survival, demonstrate that this nucleotide substitution is non-functional (Huang H et al. Nature. 2025 Feb;638(8050):528-537; Sahu S et al. Nature. 2025 Feb;638(8050):538-545). This nucleotide position is highly conserved in available vertebrate species. In silico splice site analysis predicts that this alteration will weaken the native splice donor site and may result in the creation or strengthening of a novel splice donor site. Based on the available evidence, the clinical significance of this variant remains unclear.

Literature cited by the submitters: PubMed 39779848; PubMed 39779857.

NM_000059.4(BRCA2):c.8632+3A>T

Gene: BRCA2 (BRCA2 DNA repair associated; plus strand). Cytogenetic location: 13q13.1.
Variant type: single nucleotide variant.
Coding change: c.8632+3A>T on transcript NM_000059.4 (MANE Select); 3 bases into the intron after coding-DNA position 8632, A replaced by T.
Molecular consequence: intron variant.
Genome position (GRCh38, 1-based): chr13:32,371,103, A>T. VCF-style: chr13-32371103-A-T. GRCh37 (hg19) VCF-style: chr13-32945240-A-T.
Identifiers: ClinVar variation 479290 (VCV000479290.6), dbSNP rs1555287792, ClinGen allele CA658656388.